The following is an entry in ClinVar:

ClinVar aggregate classification (germline): Uncertain significance (1 of 4 stars; one submission).

gnomAD v4.1: 3 of 1,613,646 alleles (0.00019%); highest among the groups gnomAD compares: Non-Finnish European, 0.00025%; no homozygotes.

Submission:

Labcorp Genetics (formerly Invitae), Labcorp
Classification: Uncertain significance. Last evaluated: 2024-06-13. Review status: criteria provided, single submitter. Criteria: Invitae Variant Classification Sherloc (09022015). Collection method: clinical testing. Allele origin: germline.
Comment: This sequence change replaces arginine, which is basic and polar, with leucine, which is neutral and non-polar, at codon 1214 of the RIMS1 protein (p.Arg1214Leu). This variant is not present in population databases (gnomAD no frequency). This variant has not been reported in the literature in individuals affected with RIMS1-related conditions. An algorithm developed to predict the effect of missense changes on protein structure and function (PolyPhen-2) suggests that this variant is likely to be tolerated. In summary, the available evidence is currently insufficient to determine the role of this variant in disease. Therefore, it has been classified as a Variant of Uncertain Significance.

NM_014989.7(RIMS1):c.3641G>T (p.Arg1214Leu)

Gene: RIMS1 (regulating synaptic membrane exocytosis 1; plus strand). Cytogenetic location: 6q13.
Variant type: single nucleotide variant.
Coding change: c.3641G>T on transcript NM_014989.7 (MANE Select); coding-DNA position 3641, G replaced by T.
Protein change: p.Arg1214Leu; replaces arginine 1214 with leucine.
Molecular consequence: missense variant. On other transcripts: intron variant (56).
Genome position (GRCh38, 1-based): chr6:72,290,765, G>T. VCF-style: chr6-72290765-G-T. GRCh37 (hg19) VCF-style: chr6-73000468-G-T.
Other names: c.1787G>T, p.Arg596Leu (NM_001350442.2, NM_001350446.2); c.1784G>T, p.Arg595Leu (NM_001350456.2, NM_001350438.2); c.1646G>T, p.Arg549Leu (NM_001350462.2); c.1632-1169G>T (NM_001350428.2); c.1560-1169G>T (NM_001350459.2, NM_001350424.2); c.1641-1169G>T (NM_001350437.2); c.1629-1169G>T (NM_001350430.2, NM_001350452.2, NM_001350414.2 and 2 more transcripts); c.1557-1169G>T (NM_001350421.2, NM_001350450.2); and 31 more; short protein forms R549L, R572L, R1214L, R566L, R595L, R596L.
Identifiers: ClinVar variation 3699361 (VCV003699361.2).